The following is an entry in ClinVar:

NM_007027.4(TOPBP1):c.4116T>G (p.Leu1372=)

Gene: TOPBP1 (DNA topoisomerase II binding protein 1; minus strand). Cytogenetic location: 3q22.1.
Variant type: single nucleotide variant.
Coding change: c.4116T>G on transcript NM_007027.4 (MANE Select); coding-DNA position 4116, T replaced by G.
Protein change: p.Leu1372=; no amino-acid change (leucine 1372 retained).
Molecular consequence: synonymous variant.
Genome position (GRCh38, 1-based): chr3:133,611,061, A>C on the plus strand (T>G on the coding strand, the complement: TOPBP1 is on the minus strand). VCF-style: chr3-133611061-A-C. GRCh37 (hg19) VCF-style: chr3-133329905-A-C.
Other names: c.4101T>G, p.Leu1367= (NM_001363889.2).
Identifiers: ClinVar variation 3906104 (VCV003906104.10).

ClinVar aggregate classification (germline): Likely benign (1 of 4 stars; one submission).

Submission:

CeGaT Center for Human Genetics Tuebingen
Classification: Likely benign. Last evaluated: 2025-06-01. Review status: criteria provided, single submitter. Criteria: CeGaT Center For Human Genetics Tuebingen Variant Classification Criteria Version 2. Collection method: clinical testing. Allele origin: germline. Affected: yes. Observed: 1 variant allele.
Comment: TOPBP1: PM2:Supporting, BP4, BP7